The following is an entry in ClinVar:

ClinVar aggregate classification (germline): Uncertain significance (1 of 4 stars; one submission).

Conditions:
Hereditary cancer-predisposing syndrome. Also called: Hereditary neoplastic syndrome; Neoplastic Syndromes, Hereditary; Tumor predisposition; Hereditary Cancer Syndrome. Identifiers: Orphanet 140162, MedGen C0027672, MeSH D009386, MONDO:0015356.

Submission:

Ambry Genetics
Classification: Uncertain significance for Hereditary cancer-predisposing syndrome. Last evaluated: 2025-09-10. Review status: criteria provided, single submitter. Criteria: Ambry Variant Classification Scheme 2023. Collection method: clinical testing. Allele origin: germline.
Comment: The p.I179F variant (also known as c.535A>T), located in coding exon 4 of the RAD50 gene, results from an A to T substitution at nucleotide position 535. The isoleucine at codon 179 is replaced by phenylalanine, an amino acid with highly similar properties. This amino acid position is conserved. In addition, this alteration is predicted to be deleterious by in silico analysis. Based on the available evidence, the clinical significance of this variant remains unclear.

NM_005732.4(RAD50):c.535A>T (p.Ile179Phe)

Gene: RAD50 (RAD50 double strand break repair protein; plus strand). Cytogenetic location: 5q31.1.
Variant type: single nucleotide variant.
Coding change: c.535A>T on transcript NM_005732.4 (MANE Select); coding-DNA position 535, A replaced by T.
Protein change: p.Ile179Phe; replaces isoleucine 179 with phenylalanine.
Molecular consequence: missense variant.
Genome position (GRCh38, 1-based): chr5:132,579,486, A>T. VCF-style: chr5-132579486-A-T. GRCh37 (hg19) VCF-style: chr5-131915178-A-T.
Other names: short protein forms I179F.
Identifiers: ClinVar variation 4149747 (VCV004149747.1).